The following is an entry in ClinVar:

ClinVar aggregate classification (germline): Likely benign (1 of 4 stars; one submission).

Conditions:
Early-onset generalized limb-onset dystonia. Also called: Dystonia-1, torsion; Dystonia 1, modifier of; DYSTONIA 1, TORSION, AUTOSOMAL DOMINANT; DYSTONIA MUSCULORUM DEFORMANS 1; DYT-TOR1A; DYT1 Early-Onset Primary Dystonia. Identifiers: Orphanet 256, MedGen C1851945, MONDO:0007492, OMIM 128100.

Allele frequency attached by ClinVar (database versions not stated): gnomAD 0.00029 and 0.00036; TOPMed 0.00041; 1000 Genomes Project 30x 0.00156; 1000 Genomes Project 0.00180.

Submission:

Illumina Laboratory Services, Illumina
Classification: Likely benign for Early-onset generalized limb-onset dystonia. Last evaluated: 2018-01-12. Review status: criteria provided, single submitter. Criteria: ICSL Variant Classification Criteria 13 December 2019. Collection method: clinical testing. Allele origin: germline.
Comment: This variant was observed in the ICSL laboratory as part of a predisposition screen in an ostensibly healthy population. It had not been previously curated by ICSL or reported in the Human Gene Mutation Database (HGMD: prior to June 1st, 2018), and was therefore a candidate for classification through an automated scoring system. Utilizing variant allele frequency, disease prevalence and penetrance estimates, and inheritance mode, an automated score was calculated to assess if this variant is too frequent to cause the disease. Based on the score and internal cut-off values, a variant classified as likely benign is not then subjected to further curation. The score for this variant resulted in a classification of likely benign for this disease.

NM_000113.3(TOR1A):c.*930T>A

Gene: TOR1A (torsin family 1 member A; minus strand). Cytogenetic location: 9q34.11.
Variant type: single nucleotide variant.
Coding change: c.*930T>A on transcript NM_000113.3 (MANE Select); 930 bases downstream of the stop codon, T replaced by A.
Molecular consequence: 3 prime UTR variant.
Genome position (GRCh38, 1-based): chr9:129,813,042, A>T on the plus strand (T>A on the coding strand, the complement: TOR1A is on the minus strand). VCF-style: chr9-129813042-A-T. GRCh37 (hg19) VCF-style: chr9-132575321-A-T.
Identifiers: ClinVar variation 914637 (VCV000914637.4), dbSNP rs144572721, ClinGen allele CA200533289.
Genomic context (GRCh38, chr9:129,813,042, plus strand): 5'-CATTTATAAAGAAAGACACCGTTCTCAGCATCCTCAGAAGGGGCAGCTAAGCTTTATAGG[A>T]GGTTTCGGGGATTCTGATTGAACGTAACAAATAATAGTATAAATGAGGAAGATTTAATAT-3'